The following is an entry in ClinVar:

ClinVar aggregate classification (germline): Uncertain significance (1 of 4 stars; one submission).

Submission:

Labcorp Genetics (formerly Invitae), Labcorp
Classification: Uncertain significance. Last evaluated: 2025-03-16. Review status: criteria provided, single submitter. Criteria: Invitae Variant Classification Sherloc (09022015). Collection method: clinical testing. Allele origin: germline.
Comment: This sequence change replaces lysine, which is basic and polar, with glutamine, which is neutral and polar, at codon 1308 of the TET2 protein (p.Lys1308Gln). This variant is not present in population databases (gnomAD no frequency). This variant has not been reported in the literature in individuals affected with TET2-related conditions. An algorithm developed to predict the effect of missense changes on protein structure and function (PolyPhen-2) suggests that this variant is likely to be disruptive. In summary, the available evidence is currently insufficient to determine the role of this variant in disease. Therefore, it has been classified as a Variant of Uncertain Significance.

NM_001127208.3(TET2):c.3922A>C (p.Lys1308Gln)

Genes: TET2 (tet methylcytosine dioxygenase 2; plus strand), TET2-AS1 (TET2 antisense RNA 1; minus strand). Cytogenetic location: 4q24.
Variant type: single nucleotide variant.
Coding change: c.3922A>C on transcript NM_001127208.3 (MANE Select); coding-DNA position 3922, A replaced by C.
Protein change: p.Lys1308Gln; replaces lysine 1308 with glutamine.
Molecular consequence: missense variant.
Genome position (GRCh38, 1-based): chr4:105,259,737, A>C. VCF-style: chr4-105259737-A-C. GRCh37 (hg19) VCF-style: chr4-106180894-A-C.
Other names: short protein forms K1308Q.
Identifiers: ClinVar variation 4715196 (VCV004715196.1).